The following is an entry in ClinVar:

Conditions:
Breast-ovarian cancer, familial, susceptibility to, 1 (BROVCA1). Also called: BRCA1 Hereditary Breast and Ovarian Cancer; OVARIAN CANCER, SUSCEPTIBILITY TO. Identifiers: Orphanet 145, MedGen C2676676, MONDO:0011450, OMIM 604370. Disease mechanism: loss of function.

Submission:

Brotman Baty Institute, University of Washington
No classification provided (evidence only). Condition: Breast-ovarian cancer, familial 1. Review status: no classification provided. Collection method: in vitro. Allele origin: not applicable. Functional consequence: functionally_normal.
ClinVar note: "not provided" was previously submitted as the classification for the variant. However, the classification appeared to be based only on an observation of functional data so it was converted to no classification on 2025-07-30.

NM_007294.4(BRCA1):c.5548C>G (p.Leu1850Val)

Gene: BRCA1 (BRCA1 DNA repair associated; minus strand). Cytogenetic location: 17q21.31.
Variant type: single nucleotide variant.
Coding change: c.5548C>G on transcript NM_007294.4 (MANE Select); coding-DNA position 5548, C replaced by G.
Protein change: p.Leu1850Val; replaces leucine 1850 with valine.
Molecular consequence: missense variant. On other transcripts: 3 prime UTR variant (1), non-coding transcript variant (1).
Genome position (GRCh38, 1-based): chr17:43,045,722, G>C on the plus strand (C>G on the coding strand, the complement: BRCA1 is on the minus strand). VCF-style: chr17-43045722-G-C. GRCh37 (hg19) VCF-style: chr17-41197739-G-C.
Other names: c.5401C>G, p.Leu1801Val (NM_001407848.1, NM_001407849.1, NM_001407850.1 and 12 more transcripts); c.*62C>G (NM_001407854.1, NM_001407858.1, NM_001407859.1 and 14 more transcripts); c.5347C>G, p.Leu1783Val (NM_001407862.1); c.5344C>G, p.Leu1782Val (NM_001407863.1); c.5341C>G, p.Leu1781Val (NM_001407874.1, NM_001407875.1); c.5338C>G, p.Leu1780Val (NM_001407879.1, NM_001407881.1, NM_001407882.1 and 5 more transcripts); c.5335C>G, p.Leu1779Val (NM_001407906.1, NM_001407907.1, NM_001407908.1 and 12 more transcripts); c.5332C>G, p.Leu1778Val (NM_001407915.1, NM_001407916.1, NM_001407917.1 and 1 more transcripts); and 74 more; short protein forms L746V, L1803V, L1871V, L1850V, L1681V, L1722V, L1760V, L1780V.
Identifiers: ClinVar variation 865005 (VCV000865005.3), dbSNP rs2050863835, ClinGen allele CA10590224.